The following is an entry in ClinVar:

ClinVar aggregate classification (germline): Uncertain significance (1 of 4 stars; one submission).

Submission:

Ambry Genetics
Classification: Uncertain significance. Last evaluated: 2023-02-03. Review status: criteria provided, single submitter. Criteria: Ambry Variant Classification Scheme 2023. Collection method: clinical testing. Allele origin: germline.
Comment: The p.A295T variant (also known as c.883G>A), located in coding exon 9 of the STAP1 gene, results from a G to A substitution at nucleotide position 883. The alanine at codon 295 is replaced by threonine, an amino acid with similar properties. This amino acid position is conserved. In addition, this alteration is predicted to be tolerated by in silico analysis. Since supporting evidence is limited at this time, the clinical significance of this alteration remains unclear.

NM_012108.4(STAP1):c.883G>A (p.Ala295Thr)

Gene: STAP1 (signal transducing adaptor family member 1; plus strand). Cytogenetic location: 4q13.2.
Variant type: single nucleotide variant.
Coding change: c.883G>A on transcript NM_012108.4 (MANE Select); coding-DNA position 883, G replaced by A.
Protein change: p.Ala295Thr; replaces alanine 295 with threonine.
Molecular consequence: missense variant.
Genome position (GRCh38, 1-based): chr4:67,606,352, G>A. VCF-style: chr4-67606352-G-A. GRCh37 (hg19) VCF-style: chr4-68472070-G-A.
Other names: c.883G>A, p.Ala295Thr (NM_001317769.2); short protein forms A295T.
Identifiers: ClinVar variation 2448574 (VCV002448574.2), dbSNP rs1004738599, ClinGen allele CA98619026.
Genomic context (GRCh38, chr4:67,606,352, plus strand): 5'-CTAGGTCAAGAACCCAGTATGGAAGGGAGAAGTGAAAAGTTGAAGAAAAATCCACACATT[G>A]CATGAAATACAATGTGAAAGCTCCTTTGTATATCTTGGTAATTTATATTTTCAAAACGAA-3'
Protein context (NP_036240.1, residues 285-295): SEKLKKNPHI[Ala295Thr]